The following is an entry in ClinVar:

ClinVar aggregate classification (germline): Uncertain significance (1 of 4 stars; one submission).

Submission:

GeneDx
Classification: Uncertain significance. Last evaluated: 2017-09-14. Review status: criteria provided, single submitter. Criteria: GeneDx Variant Classification (06012015). Collection method: clinical testing. Allele origin: germline. Affected: yes.
Comment: A variant of uncertain significance has been identified in the ATP6AP2 gene. The T150I variant has not been published as a pathogenic variant, nor has it been reported as a benign variant to our knowledge. The T150I variant is not observed in large population cohorts (Lek et al., 2016; 1000 Genomes Consortium et al., 2015; Exome Variant Server). The T150I variant is a non-conservative amino acid substitution, which is likely to impact secondary protein structure as these residues differ in polarity, charge, size and/or other properties. Additionally, this substitution occurs at a position that is conserved across species, and in silico analysis predicts this variant is probably damaging to the protein structure/function. Based on the currently available information, it is unclear whether this variant is a pathogenic variant or a rare benign variant.

NM_005765.3(ATP6AP2):c.449C>T (p.Thr150Ile)

Gene: ATP6AP2 (ATPase H+ transporting accessory protein 2; plus strand). Cytogenetic location: Xp11.4.
Variant type: single nucleotide variant.
Coding change: c.449C>T on transcript NM_005765.3 (MANE Select); coding-DNA position 449, C replaced by T.
Protein change: p.Thr150Ile; replaces threonine 150 with isoleucine.
Molecular consequence: missense variant.
Genome position (GRCh38, 1-based): chrX:40,597,579, C>T. VCF-style: chrX-40597579-C-T. GRCh37 (hg19) VCF-style: chrX-40456831-C-T.
Other names: short protein forms T150I.
Identifiers: ClinVar variation 451995 (VCV000451995.2), dbSNP rs1555977804, ClinGen allele CA412755687.